The following is an entry in ClinVar:

ClinVar aggregate classification (germline): Uncertain significance. Review status: criteria provided, single submitter (1 of 4 stars). 3 submissions from 3 submitters: Uncertain significance (1). 2 of the submissions do not count toward it. Last evaluated 2023-06-05.

Allele frequency attached by ClinVar (database versions not stated): gnomAD exomes below 0.00001.
gnomAD v4.1: 1 of 1,597,470 alleles (0.000063%); highest among the groups gnomAD compares: Non-Finnish European, 0.000086%; no homozygotes.

Submissions (3):

GeneDx
Classification: Uncertain significance. Last evaluated: 2023-06-05. Review status: criteria provided, single submitter. Criteria: GeneDx Variant Classification Process June 2021. Collection method: clinical testing. Allele origin: germline. Affected: yes.
Comment: Not observed at significant frequency in large population cohorts (gnomAD); In silico analysis supports that this missense variant does not alter protein structure/function; Has not been previously published as pathogenic or benign to our knowledge; Also known as 872A>G

Joint Genome Diagnostic Labs from Nijmegen and Maastricht, Radboudumc and MUMC+
Classification: Likely benign. Review status: no assertion criteria provided. Collection method: clinical testing. Allele origin: germline. Affected: yes. Study: VKGL Data-share Consensus. Not counted in ClinVar's aggregate classification.

Laboratory of Diagnostic Genome Analysis, Leiden University Medical Center (LUMC)
Classification: Likely benign. Review status: no assertion criteria provided. Collection method: clinical testing. Allele origin: germline. Affected: yes. Study: VKGL Data-share Consensus. Not counted in ClinVar's aggregate classification.

NM_000059.4(BRCA2):c.644A>G (p.Glu215Gly)

Gene: BRCA2 (BRCA2 DNA repair associated; plus strand). Cytogenetic location: 13q13.1.
Variant type: single nucleotide variant.
Coding change: c.644A>G on transcript NM_000059.4 (MANE Select); coding-DNA position 644, A replaced by G.
Protein change: p.Glu215Gly; replaces glutamic acid 215 with glycine.
Molecular consequence: missense variant.
Genome position (GRCh38, 1-based): chr13:32,329,455, A>G. VCF-style: chr13-32329455-A-G. GRCh37 (hg19) VCF-style: chr13-32903592-A-G.
Other names: c.644A>G (NM_000059.3); short protein forms E215G.
Identifiers: ClinVar variation 1328279 (VCV001328279.4), dbSNP rs1198988757, ClinGen allele CA387759394.